The following is an entry in ClinVar:

NM_003978.5(PSTPIP1):c.643-128T>C

Gene: PSTPIP1 (proline-serine-threonine phosphatase interacting protein 1; plus strand). Cytogenetic location: 15q24.3.
Variant type: single nucleotide variant.
Coding change: c.643-128T>C on transcript NM_003978.5 (MANE Select); 128 bases into the intron before coding-DNA position 643, T replaced by C.
Molecular consequence: intron variant.
Genome position (GRCh38, 1-based): chr15:77,031,052, T>C. VCF-style: chr15-77031052-T-C. GRCh37 (hg19) VCF-style: chr15-77323393-T-C.
Other names: c.838-128T>C (NM_001321137.1); c.616-128T>C (NM_001321136.2); c.643-128T>C (NM_001321135.2).
Identifiers: ClinVar variation 677841 (VCV000677841.1), dbSNP rs114248616, ClinGen allele CA273758358.
Genomic context (GRCh38, chr15:77,031,052, plus strand): 5'-CTCCCTCCCTGCAGCCTCAGGGCTGGCCCGGAGTCGGGATGGGGACCCCAGGGCACTCTC[T>C]CCTTTGGACTGGGCTTCCAGCAGAGAGGGCTGGCCTGGTCAGCTCCGGCTGAGCTGTGAA-3'

ClinVar aggregate classification (germline): Likely benign (1 of 4 stars; one submission).

Allele frequency attached by ClinVar (database versions not stated): gnomAD 0.00945; TOPMed 0.01046; 1000 Genomes Project 30x 0.01202; 1000 Genomes Project 0.01258.
gnomAD v4.1: 2,315 of 888,282 alleles (0.26%); highest among the groups gnomAD compares: African/African-American, 3.5%; 42 homozygotes.

Submission:

GeneDx
Classification: Likely benign. Last evaluated: 2018-06-14. Review status: criteria provided, single submitter. Criteria: GeneDx Variant Classification (06012015). Collection method: clinical testing. Allele origin: germline. Affected: yes.
Comment: This variant is considered likely benign or benign based on one or more of the following criteria: it is a conservative change, it occurs at a poorly conserved position in the protein, it is predicted to be benign by multiple in silico algorithms, and/or has population frequency not consistent with disease.